The following is an entry in ClinVar:

NM_018130.3(SHQ1):c.363C>T (p.Asp121=)

Gene: SHQ1 (SHQ1, H/ACA ribonucleoprotein assembly factor; minus strand). Cytogenetic location: 3p13.
Variant type: single nucleotide variant.
Coding change: c.363C>T on transcript NM_018130.3 (MANE Select); coding-DNA position 363, C replaced by T.
Protein change: p.Asp121=; no amino-acid change (aspartic acid 121 retained).
Molecular consequence: synonymous variant.
Genome position (GRCh38, 1-based): chr3:72,841,168, G>A on the plus strand (C>T on the coding strand, the complement: SHQ1 is on the minus strand). VCF-style: chr3-72841168-G-A. GRCh37 (hg19) VCF-style: chr3-72890319-G-A.
Identifiers: ClinVar variation 4821352 (VCV004821352.4).

ClinVar aggregate classification (germline): Likely benign (1 of 4 stars; one submission).

gnomAD v4.1: 472 of 1,612,944 alleles (0.029%); highest among the groups gnomAD compares: South Asian, 0.37%; 5 homozygotes.

Submission:

CeGaT Center for Human Genetics Tuebingen
Classification: Likely benign. Last evaluated: 2026-01-01. Review status: criteria provided, single submitter. Criteria: CeGaT Center For Human Genetics Tuebingen Variant Classification Criteria Version 2. Collection method: clinical testing. Allele origin: germline. Affected: yes. Observed: 1 variant allele.
Comment: SHQ1: BP4, BP7